The following is an entry in ClinVar:

NM_000212.3(ITGB3):c.2001dup (p.Val668fs)

Gene: ITGB3 (integrin subunit beta 3; plus strand). Cytogenetic location: 17q21.32.
Variant type: Duplication.
Coding change: c.2001dup on transcript NM_000212.3 (MANE Select); coding-DNA position 2001, one base duplicated (A; older notation c.2001dupA).
Protein change: p.Val668fs; shifts the reading frame from valine 668.
Molecular consequence: frameshift variant.
Genome position (GRCh38, 1-based): chr17:47,300,565, A duplicated. VCF-style (leftmost placement, unchanged base first): chr17-47300564-C-CA. GRCh37 (hg19) VCF-style: chr17-45377930-C-CA.
Other names: short protein forms V668fs.
Identifiers: ClinVar variation 2956139 (VCV002956139.3), dbSNP rs1348401845, ClinGen allele CA626382467.
Genomic context (GRCh38, chr17:47,300,564, plus strand): 5'-ACCGGGGAGCCCTACATGACGAAAATACCTGCAACCGTTACTGCCGTGACGAGATTGAGT[C>CA]AGTGAAAGAGCTTAGTAAGTTCAGCACATCTTAGAGTTGCACACACCCAGGTTCTAAATG-3'

ClinVar aggregate classification (germline): Pathogenic (1 of 4 stars; one submission).

Allele frequency attached by ClinVar (database versions not stated): gnomAD exomes below 0.00001.

Submission:

Labcorp Genetics (formerly Invitae), Labcorp
Classification: Pathogenic. Last evaluated: 2023-10-24. Review status: criteria provided, single submitter. Criteria: Invitae Variant Classification Sherloc (09022015). Collection method: clinical testing. Allele origin: germline.
Comment: This sequence change creates a premature translational stop signal (p.Val668Serfs*5) in the ITGB3 gene. It is expected to result in an absent or disrupted protein product. Loss-of-function variants in ITGB3 are known to be pathogenic (PMID: 21917754). This variant is present in population databases (no rsID available, gnomAD 0.003%). This variant has not been reported in the literature in individuals affected with ITGB3-related conditions. For these reasons, this variant has been classified as Pathogenic.

Literature cited by the submitters: PubMed 21917754.